The following is an entry in ClinVar:

ClinVar aggregate classification (germline): Uncertain significance (1 of 4 stars; one submission).

gnomAD v4.1: 1 of 1,613,204 alleles (0.000062%); no homozygotes.

Submission:

Labcorp Genetics (formerly Invitae), Labcorp
Classification: Uncertain significance. Last evaluated: 2022-09-24. Review status: criteria provided, single submitter. Criteria: Invitae Variant Classification Sherloc (09022015). Collection method: clinical testing. Allele origin: germline.
Comment: This sequence change replaces aspartic acid, which is acidic and polar, with asparagine, which is neutral and polar, at codon 343 of the AP3D1 protein (p.Asp343Asn). This variant is not present in population databases (gnomAD no frequency). This variant has not been reported in the literature in individuals affected with AP3D1-related conditions. Algorithms developed to predict the effect of missense changes on protein structure and function are either unavailable or do not agree on the potential impact of this missense change (SIFT: "Deleterious"; PolyPhen-2: "Possibly Damaging"; Align-GVGD: "Class C0"). In summary, the available evidence is currently insufficient to determine the role of this variant in disease. Therefore, it has been classified as a Variant of Uncertain Significance.

NM_001261826.3(AP3D1):c.1027G>A (p.Asp343Asn)

Gene: AP3D1 (adaptor related protein complex 3 subunit delta 1; minus strand). Cytogenetic location: 19p13.3.
Variant type: single nucleotide variant.
Coding change: c.1027G>A on transcript NM_001261826.3 (MANE Select); coding-DNA position 1027, G replaced by A.
Protein change: p.Asp343Asn; replaces aspartic acid 343 with asparagine.
Molecular consequence: missense variant.
Genome position (GRCh38, 1-based): chr19:2,121,808, C>T on the plus strand (G>A on the coding strand, the complement: AP3D1 is on the minus strand). VCF-style: chr19-2121808-C-T. GRCh37 (hg19) VCF-style: chr19-2121807-C-T.
Other names: c.1027G>A, p.Asp343Asn (NM_001374799.1, NM_003938.8); short protein forms D343N.
Identifiers: ClinVar variation 2012527 (VCV002012527.4), dbSNP rs2512175795, ClinGen allele CA403225027.